The following is an entry in ClinVar:

NM_004423.4(DVL3):c.2007G>A (p.Met669Ile)

Gene: DVL3 (dishevelled segment polarity protein 3; plus strand). Cytogenetic location: 3q27.1.
Variant type: single nucleotide variant.
Coding change: c.2007G>A on transcript NM_004423.4 (MANE Select); coding-DNA position 2007, G replaced by A.
Protein change: p.Met669Ile; replaces methionine 669 with isoleucine.
Molecular consequence: missense variant.
Genome position (GRCh38, 1-based): chr3:184,170,611, G>A. VCF-style: chr3-184170611-G-A. GRCh37 (hg19) VCF-style: chr3-183888399-G-A.
Other names: short protein forms M669I.
Identifiers: ClinVar variation 1061639 (VCV001061639.5), dbSNP rs1714793793, ClinGen allele CA355416525.

ClinVar aggregate classification (germline): Uncertain significance (1 of 4 stars; one submission).

Submission:

Labcorp Genetics (formerly Invitae), Labcorp
Classification: Uncertain significance. Last evaluated: 2022-03-03. Review status: criteria provided, single submitter. Criteria: Invitae Variant Classification Sherloc (09022015). Collection method: clinical testing. Allele origin: germline.
Comment: This variant has not been reported in the literature in individuals affected with DVL3-related conditions. ClinVar contains an entry for this variant (Variation ID: 1061639). Algorithms developed to predict the effect of missense changes on protein structure and function are either unavailable or do not agree on the potential impact of this missense change (SIFT: "Deleterious"; PolyPhen-2: "Benign"; Align-GVGD: "Class C0"). In summary, the available evidence is currently insufficient to determine the role of this variant in disease. Therefore, it has been classified as a Variant of Uncertain Significance. This sequence change replaces methionine, which is neutral and non-polar, with isoleucine, which is neutral and non-polar, at codon 669 of the DVL3 protein (p.Met669Ile). This variant is not present in population databases (gnomAD no frequency).